The following is an entry in ClinVar:

ClinVar aggregate classification (germline): Pathogenic/Likely pathogenic. Review status: criteria provided, multiple submitters, no conflicts (2 of 4 stars). 2 submissions from 2 submitters: Pathogenic (1); Likely pathogenic (1). Last evaluated 2024-04-19.

Conditions:
Nemaline myopathy 2 (NEM2). Also called: Nemaline myopathy 2, autosomal recessive. Identifiers: MedGen C1850569, MONDO:0009725, OMIM 256030.
Arthrogryposis multiplex congenita 6. Identifiers: MedGen C5543431, MONDO:0030281, OMIM 619334.

Allele frequency attached by ClinVar (database versions not stated): ExAC 0.00001.

Submissions (2):

Fulgent Genetics
Classification: Likely pathogenic for Nemaline myopathy 2; Arthrogryposis multiplex congenita 6. Last evaluated: 2024-04-19. Review status: criteria provided, single submitter. Criteria: ACMG Guidelines, 2015. Collection method: clinical testing. Allele origin: germline.

Labcorp Genetics (formerly Invitae), Labcorp
Classification: Pathogenic for Nemaline myopathy 2. Last evaluated: 2023-09-22. Review status: criteria provided, single submitter. Criteria: Invitae Variant Classification Sherloc (09022015). Collection method: clinical testing. Allele origin: germline.
Comment: This sequence change creates a premature translational stop signal (p.Val3095Glyfs*10) in the NEB gene. It is expected to result in an absent or disrupted protein product. Loss-of-function variants in NEB are known to be pathogenic (PMID: 25205138). This variant is present in population databases (rs756117435, gnomAD 0.0009%). This variant has not been reported in the literature in individuals affected with NEB-related conditions. For these reasons, this variant has been classified as Pathogenic.

Literature cited by the submitters: PubMed 25205138 (cited by Labcorp Genetics (formerly Invitae), Labcorp).

NM_001164508.2(NEB):c.9284del (p.Val3095fs)

Gene: NEB (nebulin; minus strand). Cytogenetic location: 2q23.3.
Variant type: Deletion.
Coding change: c.9284del on transcript NM_001164508.2 (MANE Select); coding-DNA position 9284, one base deleted (T; older notation c.9284delT).
Protein change: p.Val3095fs; shifts the reading frame from valine 3095.
Molecular consequence: frameshift variant. On other transcripts: intron variant (1).
Genome position (GRCh38, 1-based): chr2:151,633,784, A deleted on the plus strand (T on the coding strand, the reverse complement: NEB is on the minus strand). VCF-style (leftmost placement, unchanged base first): chr2-151633783-CA-C. GRCh37 (hg19) VCF-style: chr2-152490297-CA-C.
Other names: c.9284del, p.Val3095fs (NM_001164507.2, NM_001271208.2); c.8854-2606del (NM_004543.5); short protein forms V3095fs.
Identifiers: ClinVar variation 2753533 (VCV002753533.4), dbSNP rs756117435, ClinGen allele CA1909369.